The following is an entry in ClinVar:

ClinVar aggregate classification (germline): Uncertain significance (1 of 4 stars; one submission).

Conditions:
Familial infantile myasthenia (CMS6). Also called: MYASTHENIC SYNDROME, PRESYNAPTIC, CONGENITAL, ASSOCIATED WITH EPISODIC APNEA; MYASTHENIC SYNDROME, CONGENITAL, 6, PRESYNAPTIC; Congenital myasthenic syndrome type 6. Identifiers: Orphanet 590, MedGen C0393929, MONDO:0009689, OMIM 254210.

Submission:

Labcorp Genetics (formerly Invitae), Labcorp
Classification: Uncertain significance for Familial infantile myasthenia. Last evaluated: 2021-11-22. Review status: criteria provided, single submitter. Criteria: Invitae Variant Classification Sherloc (09022015). Collection method: clinical testing. Allele origin: germline.
Comment: This sequence change replaces proline, which is neutral and non-polar, with glutamine, which is neutral and polar, at codon 71 of the CHAT protein (p.Pro71Gln). This variant is not present in population databases (gnomAD no frequency). This variant has not been reported in the literature in individuals affected with CHAT-related conditions. Advanced modeling of protein sequence and biophysical properties (such as structural, functional, and spatial information, amino acid conservation, physicochemical variation, residue mobility, and thermodynamic stability) performed at Invitae indicates that this missense variant is not expected to disrupt CHAT protein function. Algorithms developed to predict the effect of sequence changes on RNA splicing suggest that this variant may create or strengthen a splice site. In summary, the available evidence is currently insufficient to determine the role of this variant in disease. Therefore, it has been classified as a Variant of Uncertain Significance.

NM_020549.5(CHAT):c.212C>A (p.Pro71Gln)

Gene: CHAT (choline O-acetyltransferase; plus strand). Cytogenetic location: 10q11.23.
Variant type: single nucleotide variant.
Coding change: c.212C>A on transcript NM_020549.5 (MANE Select); coding-DNA position 212, C replaced by A.
Protein change: p.Pro71Gln; replaces proline 71 with glutamine.
Molecular consequence: missense variant. On other transcripts: 5 prime UTR variant (4), intron variant (2).
Genome position (GRCh38, 1-based): chr10:49,614,401, C>A. VCF-style: chr10-49614401-C-A. GRCh37 (hg19) VCF-style: chr10-50822447-C-A.
Other names: c.-143C>A (NM_001142929.2, NM_020985.4); c.-105C>A (NM_001142933.2); c.-213C>A (NM_001142934.2); c.-68-2101C>A (NM_020984.4); c.-69+1199C>A (NM_020986.4); short protein forms P71Q.
Identifiers: ClinVar variation 1416235 (VCV001416235.3), dbSNP rs1180855605, ClinGen allele CA376725331.